The following is an entry in ClinVar:

ClinVar aggregate classification (germline): Pathogenic. Review status: criteria provided, multiple submitters, no conflicts (2 of 4 stars). 2 submissions from 2 submitters: Pathogenic (2). Last evaluated 2026-01-21.

Conditions:
Exostoses, multiple, type 2 (EXT2). Also called: Hereditary Multiple Osteochondromatosis, Type II; EXOSTOSES, MULTIPLE, TYPE II. Identifiers: Orphanet 321, MedGen C1851413, MONDO:0007586, OMIM 133701.

Submissions (2):

Labcorp Genetics (formerly Invitae), Labcorp
Classification: Pathogenic for Exostoses, multiple, type 2. Last evaluated: 2026-01-21. Review status: criteria provided, single submitter. Criteria: Invitae Variant Classification Sherloc (09022015). Collection method: clinical testing. Allele origin: germline.
Comment: This sequence change creates a premature translational stop signal (p.Phe30Leufs*25) in the EXT2 gene. It is expected to result in an absent or disrupted protein product. Loss-of-function variants in EXT2 are known to be pathogenic (PMID: 10679937, 19810120). This variant is present in population databases (no rsID available, gnomAD 0.007%). This variant has not been reported in the literature in individuals affected with EXT2-related conditions. For these reasons, this variant has been classified as Pathogenic.

GeneDx
Classification: Pathogenic. Last evaluated: 2016-08-22. Review status: criteria provided, single submitter. Criteria: GeneDx Variant Classification (06012015). Collection method: clinical testing. Allele origin: germline. Affected: yes.
Comment: The c.87_88delCT pathogenic variant in the EXT2 gene causes a frameshift starting with codon Phenylalanine 30, changes this amino acid to a Leucine residue and creates a premature Stop codon at position 25 of the new reading frame, denoted p.Phe30LeufsX25. This pathogenic variant is predicted to cause loss of normal protein function either through protein truncation or nonsense-mediated mRNA decay. The variant was not observed in approximately 6,500 individuals of European and African American ancestry in the NHLBI Exome Sequencing Project, indicating it is not a common benign variant in these populations.

Literature cited by the submitters: PubMed 10679937 (cited by Labcorp Genetics (formerly Invitae), Labcorp); PubMed 19810120 (cited by Labcorp Genetics (formerly Invitae), Labcorp).

NM_207122.2(EXT2):c.87_88del (p.Phe30fs)

Gene: EXT2 (exostosin glycosyltransferase 2; plus strand). Cytogenetic location: 11p11.2.
Variant type: Microsatellite.
Coding change: c.87_88del on transcript NM_207122.2 (MANE Select); coding-DNA positions 87 to 88, 2 bases deleted (CT; older notation c.87_88delCT).
Protein change: p.Phe30fs; shifts the reading frame from phenylalanine 30.
Molecular consequence: frameshift variant.
Genome position (GRCh38, 1-based): chr11:44,107,799-44,107,800, CT deleted; deleting any 2 consecutive bases within chr11:44,107,797-44,107,800 gives the same sequence; the c. name uses the placement nearest the transcript's 3' end. VCF-style (leftmost placement, unchanged base first): chr11-44107796-CCT-C. GRCh37 (hg19) VCF-style: chr11-44129346-CCT-C.
Other names: c.87_88delCT (NM_207122.1); c.186_187del, p.Phe63fs (NM_000401.3); c.87_88del, p.Phe30fs (NM_001178083.3); short protein forms F30fs, F63fs.
Identifiers: ClinVar variation 265701 (VCV000265701.5), dbSNP rs886039744, ClinGen allele CA10588518.